The following is an entry in ClinVar:

NM_001457.4(FLNB):c.4411_4412inv (p.Val1471Thr)

Gene: FLNB (filamin B; plus strand). Cytogenetic location: 3p14.3.
Variant type: Inversion.
Coding change: c.4411_4412inv on transcript NM_001457.4 (MANE Select).
Protein change: p.Val1471Thr; replaces valine 1471 with threonine.
Molecular consequence: missense variant.
Genome position: GRCh38 VCF-style: chr3-58132828-GT-AC. GRCh37 (hg19) VCF-style: chr3-58118555-GT-AC.
Other names: c.4504_4505inv, p.Val1502Thr (NM_001164317.2); c.4411_4412inv, p.Val1471Thr (NM_001164318.2, NM_001164319.2); short protein forms V1502T, V1471T.
Identifiers: ClinVar variation 1994437 (VCV001994437.4), ClinGen allele CA2580070379.

ClinVar aggregate classification (germline): Uncertain significance (1 of 4 stars; one submission).

Submission:

Labcorp Genetics (formerly Invitae), Labcorp
Classification: Uncertain significance. Last evaluated: 2024-02-23. Review status: criteria provided, single submitter. Criteria: Invitae Variant Classification Sherloc (09022015). Collection method: clinical testing. Allele origin: germline.
Comment: This sequence change replaces valine, which is neutral and non-polar, with threonine, which is neutral and polar, at codon 1471 of the FLNB protein (p.Val1471Thr). The frequency data for this variant in the population databases is considered unreliable, as metrics indicate poor data quality at this position in the gnomAD database. This variant has not been reported in the literature in individuals affected with FLNB-related conditions. ClinVar contains an entry for this variant (Variation ID: 1994437). An algorithm developed to predict the effect of missense changes on protein structure and function (PolyPhen-2) suggests that this variant is likely to be disruptive. In summary, the available evidence is currently insufficient to determine the role of this variant in disease. Therefore, it has been classified as a Variant of Uncertain Significance.